The following is an entry in ClinVar:

NM_001358235.2(DCHS2):c.3676C>T (p.Leu1226=)

Gene: DCHS2 (dachsous cadherin-related 2; minus strand). Cytogenetic location: 4q31.3.
Variant type: single nucleotide variant.
Coding change: c.3676C>T on transcript NM_001358235.2 (MANE Select); coding-DNA position 3676, C replaced by T.
Protein change: p.Leu1226=; no amino-acid change (leucine 1226 retained).
Molecular consequence: synonymous variant.
Genome position (GRCh38, 1-based): chr4:154,332,532, G>A on the plus strand (C>T on the coding strand, the complement: DCHS2 is on the minus strand). VCF-style: chr4-154332532-G-A. GRCh37 (hg19) VCF-style: chr4-155253684-G-A.
Other names: c.3676C>T, p.Leu1226= (NM_001142552.2, NM_001412223.1).
Identifiers: ClinVar variation 3039572 (VCV003039572.2), dbSNP rs141064025, ClinGen allele CA3113148.

ClinVar aggregate classification (germline): Benign (0 of 4 stars; one submission).

Conditions:
DCHS2-related disorder. Also called: DCHS2-related condition.

Allele frequency attached by ClinVar (database versions not stated): gnomAD exomes 0.00054; ExAC 0.00190; gnomAD 0.00587; ESP Exome Variant Server 0.00684; TOPMed 0.00691; 1000 Genomes Project 0.00699; 1000 Genomes Project 30x 0.00703.
gnomAD v4.1: 1,693 of 1,614,092 alleles (0.1%); highest among the groups gnomAD compares: African/African-American, 2.1%; 18 homozygotes.

Submission:

PreventionGenetics, part of Exact Sciences
Classification: Benign for DCHS2-related condition. Last evaluated: 2019-08-01. Review status: no assertion criteria provided. Collection method: clinical testing. Allele origin: germline.
Comment: This variant is classified as benign based on ACMG/AMP sequence variant interpretation guidelines (Richards et al. 2015 PMID: 25741868, with internal and published modifications).